The following is an entry in ClinVar:

ClinVar aggregate classification (germline): Uncertain significance. Review status: criteria provided, multiple submitters, no conflicts (2 of 4 stars). 2 submissions from 2 submitters: Uncertain significance (2). Last evaluated 2024-03-07.

Conditions:
Welander distal myopathy (WDM). Also called: Gower's muscular dystrophy; MUSCULAR DYSTROPHY, DISTAL, LATE-ONSET, AUTOSOMAL DOMINANT; Welander distal myopathy, Swedish type; Distal myopathy, Swedish type. Identifiers: Orphanet 603, MedGen C0221054, MONDO:0011466, OMIM 604454.

Submissions (2):

GeneDx
Classification: Uncertain significance. Last evaluated: 2024-03-07. Review status: criteria provided, single submitter. Criteria: GeneDx Variant Classification Process June 2021. Collection method: clinical testing. Allele origin: germline. Affected: yes.
Comment: Not observed at significant frequency in large population cohorts (gnomAD); In silico analysis supports that this missense variant has a deleterious effect on protein structure/function; Has not been previously published as pathogenic or benign to our knowledge

Labcorp Genetics (formerly Invitae), Labcorp
Classification: Uncertain significance for Welander distal myopathy. Last evaluated: 2019-09-30. Review status: criteria provided, single submitter. Criteria: Invitae Variant Classification Sherloc (09022015). Collection method: clinical testing. Allele origin: germline.
Comment: Algorithms developed to predict the effect of missense changes on protein structure and function are either unavailable or do not agree on the potential impact of this missense change (SIFT: "Deleterious"; PolyPhen-2: "Possibly Damaging"; Align-GVGD: "Class C0"). In summary, the available evidence is currently insufficient to determine the role of this variant in disease. Therefore, it has been classified as a Variant of Uncertain Significance. This variant has not been reported in the literature in individuals with TIA1-related conditions. This sequence change replaces cysteine with phenylalanine at codon 33 of the TIA1 protein (p.Cys33Phe). The cysteine residue is moderately conserved and there is a large physicochemical difference between cysteine and phenylalanine. This variant is not present in population databases (ExAC no frequency).

NM_022173.4(TIA1):c.98G>T (p.Cys33Phe)

Gene: TIA1 (TIA1 cytotoxic granule associated RNA binding protein; minus strand). Cytogenetic location: 2p13.3.
Variant type: single nucleotide variant.
Coding change: c.98G>T on transcript NM_022173.4 (MANE Select); coding-DNA position 98, G replaced by T.
Protein change: p.Cys33Phe; replaces cysteine 33 with phenylalanine.
Molecular consequence: missense variant. On other transcripts: 5 prime UTR variant (7), non-coding transcript variant (16), intron variant (2).
Genome position (GRCh38, 1-based): chr2:70,236,104, C>A on the plus strand (G>T on the coding strand, the complement: TIA1 is on the minus strand). VCF-style: chr2-70236104-C-A. GRCh37 (hg19) VCF-style: chr2-70463236-C-A.
Other names: c.98G>T, p.Cys33Phe (NM_001351508.2, NM_001351509.2, NM_001351510.2 and 7 more transcripts); c.-14G>T (NM_001351511.1, NM_001351512.1, NM_001351513.1); c.-292G>T (NM_001351515.2); c.-541G>T (NM_001351517.2); c.-318G>T (NM_001351524.2); c.-356G>T (NM_001351525.2); c.-72-5250G>T (NM_001351514.2, NM_001351523.2); short protein forms C33F.
Identifiers: ClinVar variation 939726 (VCV000939726.10), dbSNP rs1360797921, ClinGen allele CA347159494.
Genomic context (GRCh38, chr2:70,236,104, plus strand): 5'-AAAAGAATAAAGTTAACTAAGTAAAATACCCTTACATCCATAATCATTTTGCAGTTTTTA[C>A]AAGGTCCAATCTGGCTAAAGAGTTGCAGAATTAGAGCTTCTGTCACATCTCTGGAAAGGT-3'
Protein context (NP_071505.2, residues 23-43): ILQLFSQIGP[Cys33Phe]KNCKMIMDTA